The following is an entry in ClinVar:

ClinVar aggregate classification (germline): Uncertain significance. Review status: criteria provided, multiple submitters, no conflicts (2 of 4 stars). 2 submissions from 2 submitters: Uncertain significance (2). Last evaluated 2022-11-03.

Conditions:
Hereditary nonpolyposis colorectal neoplasms. Identifiers: MedGen C0009405, MeSH D003123.

Submissions (2):

Quest Diagnostics Nichols Institute San Juan Capistrano
Classification: Uncertain significance. Last evaluated: 2022-11-03. Review status: criteria provided, single submitter. Criteria: Quest Diagnostics criteria. Collection method: clinical testing. Allele origin: unknown.
Comment: This variant has not been reported in the published literature. It also has not been reported in large, multi-ethnic general populations. Analysis of this variant using bioinformatics tools for the prediction of the effect of amino acid changes on protein structure and function yielded predictions that this variant is damaging. Based on the available information, we are unable to determine the clinical significance of this variant.

Labcorp Genetics (formerly Invitae), Labcorp
Classification: Uncertain significance for Hereditary nonpolyposis colorectal neoplasms. Last evaluated: 2021-08-12. Review status: criteria provided, single submitter. Criteria: Invitae Variant Classification Sherloc (09022015). Collection method: clinical testing. Allele origin: germline.
Comment: This sequence change replaces glycine with arginine at codon 819 of the PMS2 protein (p.Gly819Arg). The glycine residue is highly conserved and there is a moderate physicochemical difference between glycine and arginine. The frequency data for this variant in the population databases (ExAC) is considered unreliable due to the presence of homologous sequence, such as pseudogenes or paralogs, in the genome. This variant has not been reported in the literature in individuals affected with PMS2-related conditions. Algorithms developed to predict the effect of missense changes on protein structure and function (SIFT, PolyPhen-2, Align-GVGD) all suggest that this variant is likely to be disruptive. In summary, the available evidence is currently insufficient to determine the role of this variant in disease. Therefore, it has been classified as a Variant of Uncertain Significance.

NM_000535.7(PMS2):c.2455G>A (p.Gly819Arg)

Gene: PMS2 (PMS1 homolog 2, mismatch repair system component; minus strand). Cytogenetic location: 7p22.1.
Variant type: single nucleotide variant.
Coding change: c.2455G>A on transcript NM_000535.7 (MANE Select); coding-DNA position 2455, G replaced by A.
Protein change: p.Gly819Arg; replaces glycine 819 with arginine.
Molecular consequence: missense variant. On other transcripts: non-coding transcript variant (1).
Genome position (GRCh38, 1-based): chr7:5,973,533, C>T on the plus strand (G>A on the coding strand, the complement: PMS2 is on the minus strand). VCF-style: chr7-5973533-C-T. GRCh37 (hg19) VCF-style: chr7-6013164-C-T.
Other names: c.2050G>A, p.Gly684Arg (NM_001018040.1, NM_001322003.2, NM_001322004.2 and 12 more transcripts); c.2299G>A, p.Gly767Arg (NM_001322006.2); c.2137G>A, p.Gly713Arg (NM_001322007.2, NM_001322008.2, NM_001406883.1); c.2083G>A, p.Gly695Arg (NM_001322009.2, NM_001406887.1, NM_001406888.1); c.1894G>A, p.Gly632Arg (NM_001322010.2, NM_001406906.1, NM_001406907.1); c.1522G>A, p.Gly508Arg (NM_001322011.2, NM_001322012.2); c.1882G>A, p.Gly628Arg (NM_001322013.2, NM_001406908.1, NM_001406909.1); c.2488G>A, p.Gly830Arg (NM_001322014.2); and 21 more; short protein forms G695R, G707R, G771R, G783R, G418R, G697R, G724R, G827R.
Identifiers: ClinVar variation 2200375 (VCV002200375.2), dbSNP rs2128659144, ClinGen allele CA366735026.
Genomic context (GRCh38, chr7:5,973,533, plus strand): 5'-GGTCCATCTCCCCCATGTGGGTGATCAGTTTCTTCATCTCGCTTGTGTTAAGAGCAGTCC[C>T]AATCATCACCTGAGTGTGAGACACAATGGTTCAACGTTTTAGTAGTTTTTTGACGTCAGA-3'
Protein context (NP_000526.2, residues 809-829): SRACRKSVMI[Gly819Arg]TALNTSEMKK